The following is an entry in ClinVar:

NM_213599.3(ANO5):c.265G>T (p.Asp89Tyr)

Gene: ANO5 (anoctamin 5; plus strand). Cytogenetic location: 11p14.3.
Variant type: single nucleotide variant.
Coding change: c.265G>T on transcript NM_213599.3 (MANE Select); coding-DNA position 265, G replaced by T.
Protein change: p.Asp89Tyr; replaces aspartic acid 89 with tyrosine.
Molecular consequence: missense variant.
Genome position (GRCh38, 1-based): chr11:22,221,181, G>T. VCF-style: chr11-22221181-G-T. GRCh37 (hg19) VCF-style: chr11-22242727-G-T.
Other names: c.265G>T (NM_213599.2); c.262G>T, p.Asp88Tyr (NM_001142649.2); short protein forms D89Y, D88Y.
Identifiers: ClinVar variation 594615 (VCV000594615.11), dbSNP rs766228901, ClinGen allele CA5922849.
Genomic context (GRCh38, chr11:22,221,181, plus strand): 5'-GATTCTATCTTCTTCCGAGATGGGATTAGGCAAATTGATTTTGTGCTTTCCTACGTTGAT[G>T]ATGTAAAGAAAGACGCAGAGTTAAAGGCGGTAAGTGCATTATAACAGAAGTGGGAATAAT-3'
Protein context (NP_998764.1, residues 79-99): QIDFVLSYVD[Asp89Tyr]VKKDAELKAE

ClinVar aggregate classification (germline): Uncertain significance. Review status: criteria provided, multiple submitters, no conflicts (2 of 4 stars). 3 submissions from 3 submitters: Uncertain significance (3). Last evaluated 2025-06-25.

Conditions:
Autosomal recessive limb-girdle muscular dystrophy type 2L (LGMDR12). Also called: MUSCULAR DYSTROPHY, LIMB-GIRDLE, AUTOSOMAL RECESSIVE 12; Limb-girdle muscular dystrophy, type 2L; Limb-Girdle Muscular Dystrophy R12 Anoctamin-5-Related (LGMD-R12). Identifiers: Orphanet 206549, MedGen C1969785, MONDO:0012652, OMIM 611307.
Gnathodiaphyseal dysplasia (GDD). Also called: GNATHODIAPHYSEAL SCLEROSIS; OSTEOGENESIS IMPERFECTA WITH UNUSUAL SKELETAL LESIONS. Identifiers: Orphanet 53697, MedGen C1833736, MONDO:0008151, OMIM 166260.

Allele frequency attached by ClinVar (database versions not stated): gnomAD exomes below 0.00001 and 0.00001; ExAC 0.00001.
gnomAD v4.1: 2 of 1,611,332 alleles (0.00012%); highest among the groups gnomAD compares: Admixed American, 0.0017%; no homozygotes.

Submissions (3):

Labcorp Genetics (formerly Invitae), Labcorp
Classification: Uncertain significance for Autosomal recessive limb-girdle muscular dystrophy type 2L; Gnathodiaphyseal dysplasia. Last evaluated: 2025-06-25. Review status: criteria provided, single submitter. Criteria: Invitae Variant Classification Sherloc (09022015). Collection method: clinical testing. Allele origin: germline.
Comment: This sequence change replaces aspartic acid, which is acidic and polar, with tyrosine, which is neutral and polar, at codon 89 of the ANO5 protein (p.Asp89Tyr). This variant is present in population databases (rs766228901, gnomAD 0.003%). This variant has not been reported in the literature in individuals affected with ANO5-related conditions. ClinVar contains an entry for this variant (Variation ID: 594615). Invitae Evidence Modeling of protein sequence and biophysical properties (such as structural, functional, and spatial information, amino acid conservation, physicochemical variation, residue mobility, and thermodynamic stability) has been performed for this missense variant. However, the output from this modeling did not meet the statistical confidence thresholds required to predict the impact of this variant on ANO5 protein function. In summary, the available evidence is currently insufficient to determine the role of this variant in disease. Therefore, it has been classified as a Variant of Uncertain Significance.

Athena Diagnostics
Classification: Uncertain significance. Last evaluated: 2022-11-17. Review status: criteria provided, single submitter. Criteria: Athena Diagnostics Criteria. Collection method: clinical testing. Allele origin: unknown.
Comment: Available data are insufficient to determine the clinical significance of the variant at this time. The frequency of this variant in the general population is uninformative in assessment of its pathogenicity. Computational tools predict that this variant is damaging.

Eurofins Ntd Llc (ga)
Classification: Uncertain significance. Last evaluated: 2017-10-25. Review status: criteria provided, single submitter. Criteria: EGL Classification Definitions 2015. Collection method: clinical testing. Allele origin: germline. Observed: 1 variant allele, 1 heterozygote.